The following is an entry in ClinVar:

ClinVar aggregate classification (germline): Conflicting classifications of pathogenicity. Review status: criteria provided, conflicting classifications (1 of 4 stars). 2 submissions from 2 submitters: Uncertain significance (1); Likely benign (1). Last evaluated 2024-11-24.

Conditions:
Inborn genetic diseases. Identifiers: MedGen C0950123, MeSH D030342.

Submissions (2):

Ambry Genetics
Classification: Likely benign for Inborn genetic diseases. Last evaluated: 2024-11-24. Review status: criteria provided, single submitter. Criteria: Ambry Variant Classification Scheme 2023. Collection method: clinical testing. Allele origin: germline.

Labcorp Genetics (formerly Invitae), Labcorp
Classification: Uncertain significance. Last evaluated: 2024-05-22. Review status: criteria provided, single submitter. Criteria: Invitae Variant Classification Sherloc (09022015). Collection method: clinical testing. Allele origin: germline.
Comment: This sequence change replaces methionine, which is neutral and non-polar, with leucine, which is neutral and non-polar, at codon 1050 of the ASXL1 protein (p.Met1050Leu). This variant is not present in population databases (gnomAD no frequency). This variant has not been reported in the literature in individuals affected with ASXL1-related conditions. Algorithms developed to predict the effect of missense changes on protein structure and function output the following: SIFT: "Not Available"; PolyPhen-2: "Benign"; Align-GVGD: "Not Available". The leucine amino acid residue is found in multiple mammalian species, which suggests that this missense change does not adversely affect protein function. In summary, the available evidence is currently insufficient to determine the role of this variant in disease. Therefore, it has been classified as a Variant of Uncertain Significance.

NM_015338.6(ASXL1):c.3148A>T (p.Met1050Leu)

Gene: ASXL1 (ASXL transcriptional regulator 1; plus strand). Cytogenetic location: 20q11.21.
Variant type: single nucleotide variant.
Coding change: c.3148A>T on transcript NM_015338.6 (MANE Select); coding-DNA position 3148, A replaced by T.
Protein change: p.Met1050Leu; replaces methionine 1050 with leucine.
Molecular consequence: missense variant.
Genome position (GRCh38, 1-based): chr20:32,435,860, A>T. VCF-style: chr20-32435860-A-T. GRCh37 (hg19) VCF-style: chr20-31023663-A-T.
Other names: c.2965A>T, p.Met989Leu (NM_001363734.1); short protein forms M1050L, M989L.
Identifiers: ClinVar variation 2843624 (VCV002843624.4), dbSNP rs370804022, ClinGen allele CA408562456.